The following is an entry in ClinVar:

NM_032130.3(FAM186B):c.1295C>T (p.Pro432Leu)

Gene: FAM186B (family with sequence similarity 186 member B; minus strand). Cytogenetic location: 12q13.12.
Variant type: single nucleotide variant.
Coding change: c.1295C>T on transcript NM_032130.3 (MANE Select); coding-DNA position 1295, C replaced by T.
Protein change: p.Pro432Leu; replaces proline 432 with leucine.
Molecular consequence: missense variant. On other transcripts: non-coding transcript variant (1).
Genome position (GRCh38, 1-based): chr12:49,600,345, G>A on the plus strand (C>T on the coding strand, the complement: FAM186B is on the minus strand). VCF-style: chr12-49600345-G-A. GRCh37 (hg19) VCF-style: chr12-49994128-G-A.
Other names: short protein forms P432L.
Identifiers: ClinVar variation 4693006 (VCV004693006.1).

ClinVar aggregate classification (germline): Uncertain significance (1 of 4 stars; one submission).

gnomAD v4.1: 25 of 1,614,004 alleles (0.0015%); highest among the groups gnomAD compares: African/African-American, 0.0027%; no homozygotes.

Submission:

Labcorp Genetics (formerly Invitae), Labcorp
Classification: Uncertain significance. Last evaluated: 2025-12-24. Review status: criteria provided, single submitter. Criteria: Invitae Variant Classification Sherloc (09022015). Collection method: clinical testing. Allele origin: germline.
Comment: This sequence change replaces proline, which is neutral and non-polar, with leucine, which is neutral and non-polar, at codon 432 of the FAM186B protein (p.Pro432Leu). This variant is present in population databases (rs372373930, gnomAD 0.005%). This variant has not been reported in the literature in individuals affected with FAM186B-related conditions. An algorithm developed to predict the effect of missense changes on protein structure and function outputs the following: PolyPhen-2: "Benign". The leucine amino acid residue is found in multiple mammalian species, which suggests that this missense change does not adversely affect protein function. In summary, the available evidence is currently insufficient to determine the role of this variant in disease. Therefore, it has been classified as a Variant of Uncertain Significance.